The following is an entry in ClinVar:

NM_002618.4(PEX13):c.1193G>A (p.Gly398Glu)

Gene: PEX13 (peroxisomal biogenesis factor 13; plus strand). Cytogenetic location: 2p15.
Variant type: single nucleotide variant.
Coding change: c.1193G>A on transcript NM_002618.4 (MANE Select); coding-DNA position 1193, G replaced by A.
Protein change: p.Gly398Glu; replaces glycine 398 with glutamic acid.
Molecular consequence: missense variant.
Genome position (GRCh38, 1-based): chr2:61,048,751, G>A. VCF-style: chr2-61048751-G-A. GRCh37 (hg19) VCF-style: chr2-61275886-G-A.
Other names: short protein forms G398E.
Identifiers: ClinVar variation 956178 (VCV000956178.9), dbSNP rs1680751404, ClinGen allele CA346950380.

ClinVar aggregate classification (germline): Uncertain significance (1 of 4 stars; one submission).

Conditions:
Peroxisome biogenesis disorder 11A (Zellweger). Also called: Peroxisome biogenesis disorder 11A. Identifiers: Orphanet 912, MedGen C3554000, MONDO:0013949, OMIM 614883.

Submission:

Labcorp Genetics (formerly Invitae), Labcorp
Classification: Uncertain significance for Peroxisome biogenesis disorder 11A (Zellweger). Last evaluated: 2021-07-13. Review status: criteria provided, single submitter. Criteria: Invitae Variant Classification Sherloc (09022015). Collection method: clinical testing. Allele origin: germline.
Comment: This sequence change replaces glycine with glutamic acid at codon 398 of the PEX13 protein (p.Gly398Glu). The glycine residue is moderately conserved and there is a moderate physicochemical difference between glycine and glutamic acid. This variant is not present in population databases (ExAC no frequency). This variant has not been reported in the literature in individuals with PEX13-related conditions. Algorithms developed to predict the effect of missense changes on protein structure and function output the following: SIFT: "Tolerated"; PolyPhen-2: "Benign"; Align-GVGD: "Class C0". The glutamic acid amino acid residue is found in multiple mammalian species, suggesting that this missense change does not adversely affect protein function. These predictions have not been confirmed by published functional studies and their clinical significance is uncertain. In summary, the available evidence is currently insufficient to determine the role of this variant in disease. Therefore, it has been classified as a Variant of Uncertain Significance.